The following is an entry in ClinVar:

ClinVar aggregate classification (germline): Conflicting classifications of pathogenicity. Review status: criteria provided, conflicting classifications (1 of 4 stars). 2 submissions from 2 submitters: Uncertain significance (1); Likely benign (1). Last evaluated 2025-04-05.

Conditions:
Inborn genetic diseases. Identifiers: MedGen C0950123, MeSH D030342.

gnomAD v4.1: 58 of 1,614,100 alleles (0.0036%); highest among the groups gnomAD compares: East Asian, 0.0089%; no homozygotes.

Submissions (2):

Ambry Genetics
Classification: Likely benign for Inborn genetic diseases. Last evaluated: 2025-04-05. Review status: criteria provided, single submitter. Criteria: Ambry Variant Classification Scheme 2023. Collection method: clinical testing. Allele origin: germline.

GeneDx
Classification: Uncertain significance. Last evaluated: 2025-03-06. Review status: criteria provided, single submitter. Criteria: GeneDx Variant Classification Process June 2021. Collection method: clinical testing. Allele origin: germline. Affected: yes.
Comment: In silico analysis indicates that this missense variant does not alter protein structure/function; Has not been previously published as pathogenic or benign to our knowledge

NM_014780.5(CUL7):c.2611G>A (p.Ala871Thr)

Gene: CUL7 (cullin 7; minus strand). Cytogenetic location: 6p21.1.
Variant type: single nucleotide variant.
Coding change: c.2611G>A on transcript NM_014780.5 (MANE Select); coding-DNA position 2611, G replaced by A.
Protein change: p.Ala871Thr; replaces alanine 871 with threonine.
Molecular consequence: missense variant.
Genome position (GRCh38, 1-based): chr6:43,046,285, C>T on the plus strand (G>A on the coding strand, the complement: CUL7 is on the minus strand). VCF-style: chr6-43046285-C-T. GRCh37 (hg19) VCF-style: chr6-43014023-C-T.
Other names: c.2707G>A, p.Ala903Thr (NM_001168370.2, NM_001374872.1); c.2611G>A, p.Ala871Thr (NM_001374873.1, NM_001374874.1); short protein forms A871T, A903T.
Identifiers: ClinVar variation 4008350 (VCV004008350.2).